The following is an entry in ClinVar:

NM_032043.3(BRIP1):c.2300A>G (p.Glu767Gly)

Gene: BRIP1 (BRCA1 interacting DNA helicase 1; minus strand). Cytogenetic location: 17q23.2.
Variant type: single nucleotide variant.
Coding change: c.2300A>G on transcript NM_032043.3 (MANE Select); coding-DNA position 2300, A replaced by G.
Protein change: p.Glu767Gly; replaces glutamic acid 767 with glycine.
Molecular consequence: missense variant.
Genome position (GRCh38, 1-based): chr17:61,743,092, T>C on the plus strand (A>G on the coding strand, the complement: BRIP1 is on the minus strand). VCF-style: chr17-61743092-T-C. GRCh37 (hg19) VCF-style: chr17-59820453-T-C.
Other names: short protein forms E767G.
Identifiers: ClinVar variation 1789284 (VCV001789284.2), dbSNP rs2144678337, ClinGen allele CA400482683.

ClinVar aggregate classification (germline): Uncertain significance (1 of 4 stars; one submission).

Conditions:
Hereditary cancer-predisposing syndrome. Also called: Hereditary Cancer Syndrome; Hereditary neoplastic syndrome; Tumor predisposition; Neoplastic Syndromes, Hereditary. Identifiers: Orphanet 140162, MedGen C0027672, MeSH D009386, MONDO:0015356.

Submission:

Ambry Genetics
Classification: Uncertain significance for Hereditary cancer-predisposing syndrome. Last evaluated: 2021-10-26. Review status: criteria provided, single submitter. Criteria: Ambry Variant Classification Scheme 2023. Collection method: clinical testing. Allele origin: germline.
Comment: The p.E767G variant (also known as c.2300A>G), located in coding exon 15 of the BRIP1 gene, results from an A to G substitution at nucleotide position 2300. The glutamic acid at codon 767 is replaced by glycine, an amino acid with similar properties. This amino acid position is conserved. In addition, this alteration is predicted to be deleterious by in silico analysis. Since supporting evidence is limited at this time, the clinical significance of this alteration remains unclear.